The following is an entry in ClinVar:

NC_012920.1(MT-ATP6):m.9142G>A

Gene: MT-ATP6 (mitochondrially encoded ATP synthase 6; plus strand).
Variant type: single nucleotide variant.
Genome position: chrM-9142-G-A.
Identifiers: ClinVar variation 693109 (VCV000693109.2), dbSNP rs200660596, ClinGen allele CA337098241.

ClinVar aggregate classification (germline): Benign/Likely benign. Review status: criteria provided, multiple submitters, no conflicts (2 of 4 stars). 2 submissions from 2 submitters: Benign (1); Likely benign (1). Last evaluated 2025-02-16.

Conditions:
Leigh syndrome (NULS). Also called: Leigh's necrotizing encephalopathy; Leigh's disease; Leigh Syndrome (mtDNA deletion); Leigh Disease; Subacute necrotizing encephalopathy; Necrotizing encephalopathy infantile subacute of Leigh. Identifiers: Orphanet 506, MedGen C2931891, MONDO:0009723, OMIM 256000.

Submissions (2):

Laboratory of Genetics, Children's Clinical University Hospital Latvia
Classification: Likely benign. Last evaluated: 2025-02-16. Review status: criteria provided, single submitter. Criteria: ACMG Guidelines, 2015. Collection method: clinical testing. Allele origin: germline. Affected: yes.

Wong Mito Lab, Molecular and Human Genetics, Baylor College of Medicine
Classification: Benign for Leigh syndrome. Last evaluated: 2019-10-17. Review status: criteria provided, single submitter. Criteria: Modified ACMG Guidelines (Unpublished). Collection method: clinical testing. Allele origin: germline.
Comment: The NC_012920.1:m.9142G>A (YP_003024031.1:p.Val206Ile) variant in MTATP6 gene is interpretated to be a Benign variant based on the modified ACMG guidelines (unpublished). This variant meets the following evidence codes: BS1, BS2, BP4